The following is an entry in ClinVar:

NM_004304.5(ALK):c.893C>G (p.Ala298Gly)

Gene: ALK (ALK receptor tyrosine kinase; minus strand). Cytogenetic location: 2p23.2.
Variant type: single nucleotide variant.
Coding change: c.893C>G on transcript NM_004304.5 (MANE Select); coding-DNA position 893, C replaced by G.
Protein change: p.Ala298Gly; replaces alanine 298 with glycine.
Molecular consequence: missense variant.
Genome position (GRCh38, 1-based): chr2:29,694,909, G>C on the plus strand (C>G on the coding strand, the complement: ALK is on the minus strand). VCF-style: chr2-29694909-G-C. GRCh37 (hg19) VCF-style: chr2-29917775-G-C.
Other names: short protein forms A298G.
Identifiers: ClinVar variation 538202 (VCV000538202.15), dbSNP rs750435024, ClinGen allele CA1594825.

ClinVar aggregate classification (germline): Uncertain significance. Review status: criteria provided, multiple submitters, no conflicts (2 of 4 stars). 2 submissions from 2 submitters: Uncertain significance (2). Last evaluated 2025-11-04.

Conditions:
Neuroblastoma, susceptibility to, 3. Also called: ALK-Related Neuroblastic Tumor Susceptibility. Identifiers: Orphanet 635, MedGen C2751681, MONDO:0013083, OMIM 613014.
Hereditary cancer-predisposing syndrome. Also called: Neoplastic Syndromes, Hereditary; Tumor predisposition; Hereditary Cancer Syndrome; Hereditary neoplastic syndrome. Identifiers: Orphanet 140162, MedGen C0027672, MeSH D009386, MONDO:0015356.

Allele frequency attached by ClinVar (database versions not stated): gnomAD 0.00001; TOPMed 0.00001; ExAC 0.00002; gnomAD exomes 0.00002.
gnomAD v4.1: 16 of 1,613,996 alleles (0.00099%); highest among the groups gnomAD compares: South Asian, 0.0066%; no homozygotes.

Submissions (2):

Labcorp Genetics (formerly Invitae), Labcorp
Classification: Uncertain significance for Neuroblastoma, susceptibility to, 3. Last evaluated: 2025-11-04. Review status: criteria provided, single submitter. Criteria: Invitae Variant Classification Sherloc (09022015). Collection method: clinical testing. Allele origin: germline.
Comment: This sequence change replaces alanine, which is neutral and non-polar, with glycine, which is neutral and non-polar, at codon 298 of the ALK protein (p.Ala298Gly). This variant is present in population databases (rs750435024, gnomAD 0.006%). This variant has not been reported in the literature in individuals affected with ALK-related conditions. ClinVar contains an entry for this variant (Variation ID: 538202). An algorithm developed to predict the effect of missense changes on protein structure and function (PolyPhen-2) suggests that this variant is likely to be tolerated. In summary, the available evidence is currently insufficient to determine the role of this variant in disease. Therefore, it has been classified as a Variant of Uncertain Significance.

Ambry Genetics
Classification: Uncertain significance for Hereditary cancer-predisposing syndrome. Last evaluated: 2024-08-02. Review status: criteria provided, single submitter. Criteria: Ambry Variant Classification Scheme 2023. Collection method: clinical testing. Allele origin: germline.
Comment: The p.A298G variant (also known as c.893C>G), located in coding exon 3 of the ALK gene, results from a C to G substitution at nucleotide position 893. The alanine at codon 298 is replaced by glycine, an amino acid with similar properties. This amino acid position is conserved. In addition, this alteration is predicted to be tolerated by in silico analysis. Since supporting evidence is limited at this time, the clinical significance of this alteration remains unclear.